The following is an entry in ClinVar:

ClinVar aggregate classification (germline): Likely pathogenic (1 of 4 stars; one submission).

Conditions:
Postaxial polydactyly. Identifiers: MedGen C0220697, MONDO:0020927, HP:0100259.

gnomAD v4.1: 8 of 1,584,666 alleles (0.0005%); highest among the groups gnomAD compares: South Asian, 0.0012%; no homozygotes.

Submission:

Center for Statistical Genetics, Columbia University
Classification: Likely pathogenic for Postaxial polydactyly. Review status: criteria provided, single submitter. Criteria: ACMG Guidelines, 2015. Collection method: research. Allele origin: germline. Inheritance: Autosomal recessive inheritance. Affected: yes. Observed: 3 variant alleles, 3 homozygotes.
Comment: The missense variant c.970G>T was found to segregate in a family with autosomal recessive postaxial polydactyly. The variant was classified as likely pathogenic based on the ACMG/AMP criteria, using the evidence PP1-S, PM2 and PP3.

NM_001145678.3(KIAA0825):c.970G>T (p.Val324Phe)

Gene: KIAA0825 (KIAA0825; minus strand). Cytogenetic location: 5q15.
Variant type: single nucleotide variant.
Coding change: c.970G>T on transcript NM_001145678.3 (MANE Select); coding-DNA position 970, G replaced by T.
Protein change: p.Val324Phe; replaces valine 324 with phenylalanine.
Molecular consequence: missense variant. On other transcripts: non-coding transcript variant (4).
Genome position (GRCh38, 1-based): chr5:94,520,248, C>A on the plus strand (G>T on the coding strand, the complement: KIAA0825 is on the minus strand). VCF-style: chr5-94520248-C-A. GRCh37 (hg19) VCF-style: chr5-93855953-C-A.
Other names: c.970G>T, p.Val324Phe (NM_001385712.1, NM_001385713.1, NM_001385714.1 and 1 more transcripts); c.970G>T, p.Gly324Cys (NM_001385715.1, NM_001385716.1, NM_001385717.1 and 9 more transcripts); c.859G>T, p.Gly287Cys (NM_001385724.1); short protein forms G287C, G324C, V324F.
Identifiers: ClinVar variation 3906259 (VCV003906259.1).